The following is an entry in ClinVar:

ClinVar aggregate classification (germline): Uncertain significance. Review status: criteria provided, multiple submitters, no conflicts (2 of 4 stars). 2 submissions from 2 submitters: Uncertain significance (2). Last evaluated 2024-05-12.

Conditions:
Retinitis pigmentosa 71 (RP71). Identifiers: Orphanet 791, MedGen C4225342, MONDO:0014618, OMIM 616394.
Short-rib thoracic dysplasia 10 with or without polydactyly (SRTD10). Identifiers: Orphanet 474, MedGen C3810175, MONDO:0014284, OMIM 615630.
Bardet-Biedl syndrome 20. Identifiers: MedGen C4310707, MONDO:0023670, OMIM 619471, MONDO:0014926.

Allele frequency attached by ClinVar (database versions not stated): gnomAD exomes below 0.00001 and 0.00001; ExAC 0.00001; TOPMed 0.00003; ESP Exome Variant Server 0.00008.
gnomAD v4.1: 9 of 1,614,022 alleles (0.00056%); highest among the groups gnomAD compares: African/African-American, 0.0027%; no homozygotes.

Submissions (2):

Fulgent Genetics
Classification: Uncertain significance for Short-rib thoracic dysplasia 10 with or without polydactyly; Retinitis pigmentosa 71; Bardet-Biedl syndrome 20. Last evaluated: 2024-05-12. Review status: criteria provided, single submitter. Criteria: ACMG Guidelines, 2015. Collection method: clinical testing. Allele origin: germline.

Labcorp Genetics (formerly Invitae), Labcorp
Classification: Uncertain significance for Retinitis pigmentosa 71; Short-rib thoracic dysplasia 10 with or without polydactyly. Last evaluated: 2020-10-19. Review status: criteria provided, single submitter. Criteria: Invitae Variant Classification Sherloc (09022015). Collection method: clinical testing. Allele origin: germline.
Comment: This sequence change replaces histidine with glutamine at codon 1395 of the IFT172 protein (p.His1395Gln). The histidine residue is weakly conserved and there is a small physicochemical difference between histidine and glutamine. This variant is present in population databases (rs148360112, ExAC 0.001%). This variant has not been reported in the literature in individuals with IFT172-related conditions. In summary, the available evidence is currently insufficient to determine the role of this variant in disease. Therefore, it has been classified as a Variant of Uncertain Significance. Algorithms developed to predict the effect of missense changes on protein structure and function output the following: SIFT: "Tolerated"; PolyPhen-2: "Benign"; Align-GVGD: "Class C0". The glutamine amino acid residue is found in multiple mammalian species, suggesting that this missense change does not adversely affect protein function. These predictions have not been confirmed by published functional studies and their clinical significance is uncertain.

NM_015662.3(IFT172):c.4185T>G (p.His1395Gln)

Gene: IFT172 (intraflagellar transport 172; minus strand). Cytogenetic location: 2p23.3.
Variant type: single nucleotide variant.
Coding change: c.4185T>G on transcript NM_015662.3 (MANE Select); coding-DNA position 4185, T replaced by G.
Protein change: p.His1395Gln; replaces histidine 1395 with glutamine.
Molecular consequence: missense variant.
Genome position (GRCh38, 1-based): chr2:27,449,538, A>C on the plus strand (T>G on the coding strand, the complement: IFT172 is on the minus strand). VCF-style: chr2-27449538-A-C. GRCh37 (hg19) VCF-style: chr2-27672405-A-C.
Other names: short protein forms H1395Q.
Identifiers: ClinVar variation 1002638 (VCV001002638.9), dbSNP rs148360112, ClinGen allele CA1579691.
Genomic context (GRCh38, chr2:27,449,538, plus strand): 5'-TGCTAACTCTCCAAGTCTCACCGAGTCCACTTTGCCCTGATTCTTGAGGAACTCTTTATA[A>C]TGCTGGTCCACATAGTCTTCATACCTGTGAAGATGTTCAGAGAGCTCCATCTTCATGTTC-3'
Protein context (NP_056477.1, residues 1385-1405): DPRYEDYVDQ[His1395Gln]YKEFLKNQGK